The following is an entry in ClinVar:

ClinVar aggregate classification (germline): Uncertain significance. Review status: criteria provided, multiple submitters, no conflicts (2 of 4 stars). 4 submissions from 4 submitters: Uncertain significance (4). Last evaluated 2026-01-12.

Conditions:
Arrhythmogenic right ventricular cardiomyopathy (ARVD). Also called: Arrhythmogenic cardiomyopathy; Cardiomyopathy, ARVC; Arrhythmogenic right ventricular dysplasia; Arrhythmogenic Right Ventricular Cardiomyopathy (ARVC). Identifiers: Orphanet 247, MedGen C0349788, MeSH D019571, MONDO:0016587. Disease mechanism: loss of function. Inheritance: Various modes of inheritance.
Cardiomyopathy (CMYO). Also called: Cardiomyopathies. Identifiers: Orphanet 167848, MedGen C0878544, MONDO:0004994, HP:0001638. Inheritance: Various modes of inheritance.
Cardiovascular phenotype. Identifiers: MedGen CN230736.
Arrhythmogenic right ventricular dysplasia 9 (ARVD9). Also called: Arrhythmogenic Right Ventricular Dysplasia/Cardiomyopathy 9; ARRHYTHMOGENIC RIGHT VENTRICULAR DYSPLASIA, FAMILIAL, 9. Identifiers: MedGen C1836906, MONDO:0012180, OMIM 609040.

Allele frequency attached by ClinVar (database versions not stated): gnomAD exomes below 0.00001; gnomAD 0.00001.
gnomAD v4.1: 6 of 1,613,982 alleles (0.00037%); highest among the groups gnomAD compares: Admixed American, 0.0017%; no homozygotes.

Submissions (4):

Labcorp Genetics (formerly Invitae), Labcorp
Classification: Uncertain significance for Arrhythmogenic right ventricular dysplasia 9. Last evaluated: 2026-01-12. Review status: criteria provided, single submitter. Criteria: Invitae Variant Classification Sherloc (09022015). Collection method: clinical testing. Allele origin: germline.
Comment: This sequence change replaces valine, which is neutral and non-polar, with glycine, which is neutral and non-polar, at codon 415 of the PKP2 protein (p.Val415Gly). This variant is present in population databases (no rsID available, gnomAD 0.0009%). This variant has not been reported in the literature in individuals affected with PKP2-related conditions. ClinVar contains an entry for this variant (Variation ID: 928432). An algorithm developed to predict the effect of missense changes on protein structure and function (PolyPhen-2) suggests that this variant is likely to be tolerated. In summary, the available evidence is currently insufficient to determine the role of this variant in disease. Therefore, it has been classified as a Variant of Uncertain Significance.

Ambry Genetics
Classification: Uncertain significance for Cardiovascular phenotype. Last evaluated: 2024-10-19. Review status: criteria provided, single submitter. Criteria: Ambry Variant Classification Scheme 2023. Collection method: clinical testing. Allele origin: germline.
Comment: The p.V415G variant (also known as c.1244T>G), located in coding exon 5 of the PKP2 gene, results from a T to G substitution at nucleotide position 1244. The valine at codon 415 is replaced by glycine, an amino acid with dissimilar properties. This amino acid position is conserved. In addition, the in silico prediction for this alteration is inconclusive. Based on the available evidence, the clinical significance of this variant remains unclear.

All of Us Research Program, National Institutes of Health
Classification: Uncertain significance for Arrhythmogenic right ventricular cardiomyopathy. Last evaluated: 2024-05-13. Review status: criteria provided, single submitter. Criteria: ACMG Guidelines, 2015. Collection method: clinical testing. Allele origin: germline. Inheritance: Autosomal dominant inheritance. Observed: 3 variant alleles, 3 heterozygotes.
Comment: This missense variant replaces valine with glycine at codon 415 of the PKP2 protein. Computational prediction suggests that this variant may not impact protein structure and function (internally defined REVEL score threshold <= 0.5, PMID: 27666373). Splice site prediction tools suggest that this variant may not impact RNA splicing. To our knowledge, functional studies have not been performed for this variant. This variant has not been reported in individuals affected with cardiovascular disorders in the literature. This variant has been identified in 1/251362 chromosomes in the general population by the Genome Aggregation Database (gnomAD). The available evidence is insufficient to determine the role of this variant in disease conclusively. Therefore, this variant is classified as a Variant of Uncertain Significance.

This study involves interpretation of variants in research participants for the purpose of population health screening. Participant phenotype was not available at the time of variant classification. Additional details can be found in publication PMID: 35346344, PMCID: PMC8962531

Color Diagnostics, LLC DBA Color Health
Classification: Uncertain significance for Cardiomyopathy. Last evaluated: 2024-03-06. Review status: criteria provided, single submitter. Criteria: ACMG Guidelines, 2015. Collection method: clinical testing. Allele origin: germline.
Comment: This missense variant replaces valine with glycine at codon 415 of the PKP2 protein. Computational prediction suggests that this variant may not impact protein structure and function (internally defined REVEL score threshold <= 0.5, PMID: 27666373). To our knowledge, functional studies have not been reported for this variant. This variant has not been reported in individuals affected with cardiovascular disorders in the literature. This variant has been identified in 1/251362 chromosomes in the general population by the Genome Aggregation Database (gnomAD). The available evidence is insufficient to determine the role of this variant in disease conclusively. Therefore, this variant is classified as a Variant of Uncertain Significance.

NM_001005242.3(PKP2):c.1244T>G (p.Val415Gly)

Gene: PKP2 (plakophilin 2; minus strand). Cytogenetic location: 12p11.21.
Variant type: single nucleotide variant.
Coding change: c.1244T>G on transcript NM_001005242.3 (MANE Select); coding-DNA position 1244, T replaced by G.
Protein change: p.Val415Gly; replaces valine 415 with glycine.
Molecular consequence: missense variant.
Genome position (GRCh38, 1-based): chr12:32,850,900, A>C on the plus strand (T>G on the coding strand, the complement: PKP2 is on the minus strand). VCF-style: chr12-32850900-A-C. GRCh37 (hg19) VCF-style: chr12-33003834-A-C.
Other names: c.1244T>G, p.Val415Gly (NM_004572.4); short protein forms V415G.
Identifiers: ClinVar variation 928432 (VCV000928432.12), dbSNP rs1335415987, ClinGen allele CA384370548.